The following is an entry in ClinVar:

NM_018646.6(TRPV6):c.347-1G>A

Gene: TRPV6 (transient receptor potential cation channel subfamily V member 6; minus strand). Cytogenetic location: 7q34.
Variant type: single nucleotide variant.
Coding change: c.347-1G>A on transcript NM_018646.6 (MANE Select); the canonical splice acceptor site of the intron before coding-DNA position 347, G replaced by A.
Molecular consequence: splice acceptor variant.
Genome position (GRCh38, 1-based): chr7:142,877,774, C>T on the plus strand (G>A on the coding strand, the complement: TRPV6 is on the minus strand). VCF-style: chr7-142877774-C-T. GRCh37 (hg19) VCF-style: chr7-142575527-C-T.
Identifiers: ClinVar variation 3620122 (VCV003620122.2).

ClinVar aggregate classification (germline): Likely pathogenic (1 of 4 stars; one submission).

Submission:

Labcorp Genetics (formerly Invitae), Labcorp
Classification: Likely pathogenic. Last evaluated: 2024-10-30. Review status: criteria provided, single submitter. Criteria: Invitae Variant Classification Sherloc (09022015). Collection method: clinical testing. Allele origin: germline.
Comment: This sequence change affects an acceptor splice site in intron 2 of the TRPV6 gene. It is expected to disrupt RNA splicing. Variants that disrupt the donor or acceptor splice site typically lead to a loss of protein function (PMID: 16199547), and loss-of-function variants in TRPV6 are known to be pathogenic (PMID: 29861107, 30144375). This variant is present in population databases (no rsID available, gnomAD 0.003%). This variant has not been reported in the literature in individuals affected with TRPV6-related conditions. Algorithms developed to predict the effect of sequence changes on RNA splicing suggest that this variant may disrupt the consensus splice site. In summary, the currently available evidence indicates that the variant is pathogenic, but additional data are needed to prove that conclusively. Therefore, this variant has been classified as Likely Pathogenic.

Literature cited by the submitters: PubMed 16199547; PubMed 29861107; PubMed 30144375.